The following is an entry in ClinVar:

ClinVar aggregate classification (germline): Uncertain significance. Review status: criteria provided, multiple submitters, no conflicts (2 of 4 stars). 4 submissions from 4 submitters: Uncertain significance (3). 1 of the submissions does not count toward it. Last evaluated 2021-11-13.

Conditions:
Hereditary cancer-predisposing syndrome. Also called: Neoplastic Syndromes, Hereditary; Tumor predisposition; Hereditary neoplastic syndrome; Hereditary Cancer Syndrome. Identifiers: Orphanet 140162, MedGen C0027672, MeSH D009386, MONDO:0015356.
Hereditary breast ovarian cancer syndrome. Also called: Hereditary breast and ovarian cancer syndrome; Hereditary breast and ovarian cancer; Hereditary breast and ovarian cancer syndrome (HBOC); Breast and ovarian cancer; Hereditary breast and/or ovarian cancer syndrome; BRCA1- and BRCA2-Associated Hereditary Breast and Ovarian Cancer. Identifiers: Orphanet 145, MedGen C0677776, MeSH D061325, MONDO:0003582. Disease mechanism: loss of function.
Breast-ovarian cancer, familial, susceptibility to, 2 (BROVCA2). Also called: BRCA2 Hereditary Breast and Ovarian Cancer. Identifiers: Orphanet 145, MedGen C2675520, MONDO:0012933, OMIM 612555. Disease mechanism: loss of function.

Submissions (4):

Labcorp Genetics (formerly Invitae), Labcorp
Classification: Uncertain significance for Hereditary breast ovarian cancer syndrome. Last evaluated: 2021-11-13. Review status: criteria provided, single submitter. Criteria: Invitae Variant Classification Sherloc (09022015). Collection method: clinical testing. Allele origin: germline.
Comment: In summary, the available evidence is currently insufficient to determine the role of this variant in disease. Therefore, it has been classified as a Variant of Uncertain Significance. Advanced modeling of protein sequence and biophysical properties (such as structural, functional, and spatial information, amino acid conservation, physicochemical variation, residue mobility, and thermodynamic stability) performed at Invitae indicates that this missense variant is not expected to disrupt BRCA2 protein function. ClinVar contains an entry for this variant (Variation ID: 52851). This missense change has been observed in individual(s) with breast cancer (PMID: 9609997, 25503501). This variant is not present in population databases (gnomAD no frequency). This sequence change replaces phenylalanine, which is neutral and non-polar, with leucine, which is neutral and non-polar, at codon 32 of the BRCA2 protein (p.Phe32Leu).

Mendelics
Classification: Uncertain significance for Breast-ovarian cancer, familial, susceptibility to, 2. Last evaluated: 2019-05-28. Review status: criteria provided, single submitter. Criteria: Mendelics Assertion Criteria 2017. Collection method: clinical testing. Allele origin: unknown.

Ambry Genetics
Classification: Uncertain significance for Hereditary cancer-predisposing syndrome. Last evaluated: 2017-01-11. Review status: criteria provided, single submitter. Criteria: Ambry Autosomal Dominant and X-Linked criteria (10/2015). Collection method: clinical testing. Allele origin: germline. Observed: 1 variant allele.
Comment: The p.F32L variant (also known as c.94T>C) is located in coding exon 2 of the BRCA2 gene. This alteration results from a T to C substitution at nucleotide position 94. The phenylalanine at codon 32 is replaced by leucine, an amino acid with highly similar properties. This alteration was identified in a Japanese family with cases of both female and male breast cancers, however it's clinical significance was unclear (Katagiri, T et al. J Hum Genet. 1998;43(1):42-8). Based on protein sequence alignment, this amino acid position is highly conserved in available vertebrate species. In addition, this alteration is predicted to be tolerated by in silico analysis. However, since supporting evidence is limited at this time, the clinical significance of p.F32L remains unclear.Ã¢â‚¬â€¹

Counsyl
Classification: Uncertain significance for Breast-ovarian cancer, familial, susceptibility to, 2. Last evaluated: 2017-08-22. Review status: no assertion criteria provided. Collection method: clinical testing. Allele origin: unknown. Not counted in ClinVar's aggregate classification.

Literature cited by the submitters: PubMed 9609997 (cited by Labcorp Genetics (formerly Invitae), Labcorp and Counsyl); PubMed 25503501 (cited by Labcorp Genetics (formerly Invitae), Labcorp).

NM_000059.4(BRCA2):c.94T>C (p.Phe32Leu)

Gene: BRCA2 (BRCA2 DNA repair associated; plus strand). Cytogenetic location: 13q13.1.
Variant type: single nucleotide variant.
Coding change: c.94T>C on transcript NM_000059.4 (MANE Select); coding-DNA position 94, T replaced by C.
Protein change: p.Phe32Leu; replaces phenylalanine 32 with leucine.
Molecular consequence: missense variant.
Genome position (GRCh38, 1-based): chr13:32,319,103, T>C. VCF-style: chr13-32319103-T-C. GRCh37 (hg19) VCF-style: chr13-32893240-T-C.
Other names: short protein forms F32L.
Identifiers: ClinVar variation 52851 (VCV000052851.11), dbSNP rs397508057, ClinGen allele CA026180.